The following is an entry in ClinVar:

NM_020312.4(COQ9):c.950G>A (p.Arg317His)

Gene: COQ9 (coenzyme Q9; plus strand). Cytogenetic location: 16q21.
Variant type: single nucleotide variant.
Coding change: c.950G>A on transcript NM_020312.4 (MANE Select); coding-DNA position 950, G replaced by A.
Protein change: p.Arg317His; replaces arginine 317 with histidine.
Molecular consequence: missense variant.
Genome position (GRCh38, 1-based): chr16:57,460,617, G>A. VCF-style: chr16-57460617-G-A. GRCh37 (hg19) VCF-style: chr16-57494529-G-A.
Other names: c.950G>A (NM_020312.3); short protein forms R317H.
Identifiers: ClinVar variation 1487326 (VCV001487326.5), dbSNP rs1233305170, ClinGen allele CA396030613.

ClinVar aggregate classification (germline): Uncertain significance. Review status: criteria provided, multiple submitters, no conflicts (2 of 4 stars). 2 submissions from 2 submitters: Uncertain significance (2). Last evaluated 2023-01-11.

Conditions:
Inborn genetic diseases. Identifiers: MedGen C0950123, MeSH D030342.

Allele frequency attached by ClinVar (database versions not stated): gnomAD 0.00001; gnomAD exomes 0.00001; TOPMed 0.00002.
gnomAD v4.1: 16 of 1,613,810 alleles (0.00099%); highest among the groups gnomAD compares: African/African-American, 0.0013%; no homozygotes.

Submissions (2):

Ambry Genetics
Classification: Uncertain significance for Inborn genetic diseases. Last evaluated: 2023-01-11. Review status: criteria provided, single submitter. Criteria: Ambry Variant Classification Scheme 2023. Collection method: clinical testing. Allele origin: germline.

Labcorp Genetics (formerly Invitae), Labcorp
Classification: Uncertain significance. Last evaluated: 2022-07-26. Review status: criteria provided, single submitter. Criteria: Invitae Variant Classification Sherloc (09022015). Collection method: clinical testing. Allele origin: germline.
Comment: This sequence change replaces arginine, which is basic and polar, with histidine, which is basic and polar, at codon 317 of the COQ9 protein (p.Arg317His). This variant is present in population databases (no rsID available, gnomAD 0.002%). This variant has not been reported in the literature in individuals affected with COQ9-related conditions. ClinVar contains an entry for this variant (Variation ID: 1487326). Algorithms developed to predict the effect of missense changes on protein structure and function are either unavailable or do not agree on the potential impact of this missense change (SIFT: "Tolerated"; PolyPhen-2: "Probably Damaging"; Align-GVGD: "Class C0"). In summary, the available evidence is currently insufficient to determine the role of this variant in disease. Therefore, it has been classified as a Variant of Uncertain Significance.